The following is an entry in ClinVar:

ClinVar aggregate classification (germline): Pathogenic/Likely pathogenic. Review status: criteria provided, multiple submitters, no conflicts (2 of 4 stars). 3 submissions from 3 submitters: Pathogenic (1); Likely pathogenic (2). Last evaluated 2025-11-14.

Conditions:
Zellweger spectrum disorders (ZS). Also called: Zellweger Spectrum Disorder (ZSD); Zellweger syndrome; Zellweger Spectrum Disorder; Zellweger Spectrum. Identifiers: Orphanet 912, MedGen C0043459, MONDO:0019609.
Peroxisome biogenesis disorder. Identifiers: Orphanet 79189, MedGen C1832200, MONDO:0019234. Disease mechanism: loss of function.
Heimler syndrome 2 (HMLR2). Also called: PEROXISOME BIOGENESIS DISORDER 4C. Identifiers: Orphanet 3220, MedGen C4225267, OMIM 616617, MONDO:0014709.

Submissions (3):

Natera, Inc.
Classification: Likely pathogenic for Zellweger syndrome. Last evaluated: 2025-11-14. Review status: criteria provided, single submitter. Criteria: Natera Variant Classification Schema (03/2026). Collection method: clinical testing. Allele origin: germline.
Comment: The c.2439delG variant in PEX6 is a frameshift variant predicted to shift the reading frame beginning at codon 814 and leads to a stop codon 8 codons downstream. This variant is expected to result in nonsense mediated decay, truncation, or a dysfunctional protein product. This variant is rare in the general population with a frequency below the threshold expected for the associated phenotype(s). Given the available evidence, this variant is classified as Likely Pathogenic.

Labcorp Genetics (formerly Invitae), Labcorp
Classification: Pathogenic for Peroxisome biogenesis disorder. Last evaluated: 2024-02-02. Review status: criteria provided, single submitter. Criteria: Invitae Variant Classification Sherloc (09022015). Collection method: clinical testing. Allele origin: germline.
Comment: This sequence change creates a premature translational stop signal (p.Arg814Glufs*8) in the PEX6 gene. It is expected to result in an absent or disrupted protein product. Loss-of-function variants in PEX6 are known to be pathogenic (PMID: 10408779, 21031596, 31831025). This variant is present in population databases (no rsID available, gnomAD 0.0009%). This variant has not been reported in the literature in individuals affected with PEX6-related conditions. ClinVar contains an entry for this variant (Variation ID: 653703). For these reasons, this variant has been classified as Pathogenic.

Baylor Genetics
Classification: Likely pathogenic for Heimler syndrome 2. Last evaluated: 2023-08-13. Review status: criteria provided, single submitter. Criteria: ACMG Guidelines, 2015. Collection method: clinical testing. Allele origin: unknown.

Literature cited by the submitters: PubMed 10408779 (cited by Labcorp Genetics (formerly Invitae), Labcorp); PubMed 21031596 (cited by Labcorp Genetics (formerly Invitae), Labcorp); PubMed 31831025 (cited by Labcorp Genetics (formerly Invitae), Labcorp).

NM_000287.4(PEX6):c.2439del (p.Arg814fs)

Gene: PEX6 (peroxisomal biogenesis factor 6; minus strand). Cytogenetic location: 6p21.1.
Variant type: Deletion.
Coding change: c.2439del on transcript NM_000287.4 (MANE Select); coding-DNA position 2439, one base deleted (G; older notation c.2439delG).
Protein change: p.Arg814fs; shifts the reading frame from arginine 814.
Molecular consequence: frameshift variant. On other transcripts: non-coding transcript variant (1).
Genome position (GRCh38, 1-based): chr6:42,965,713, C deleted on the plus strand (G on the coding strand, the reverse complement: PEX6 is on the minus strand); the first of 5 consecutive C bases (chr6:42,965,713-42,965,717); deleting any one gives the same sequence. VCF-style (leftmost placement, unchanged base first): chr6-42965712-GC-G. GRCh37 (hg19) VCF-style: chr6-42933450-GC-G.
Other names: c.2439delG (NM_000287.3); c.2175del, p.Arg726fs (NM_001316313.2); short protein forms R726fs, R814fs.
Identifiers: ClinVar variation 653703 (VCV000653703.9), dbSNP rs1554126955, ClinGen allele CA566786054.